The following is an entry in ClinVar:

ClinVar aggregate classification (germline): Uncertain significance. Review status: criteria provided, multiple submitters, no conflicts (2 of 4 stars). 4 submissions from 4 submitters: Uncertain significance (4). Last evaluated 2024-04-24.

Conditions:
Fanconi anemia (FA). Also called: Fanconi's anemia. Identifiers: Orphanet 84, MedGen C0015625, MeSH D005199, MONDO:0019391.
Fanconi anemia complementation group G. Also called: Fanconi anemia group G; FANCG-Related Fanconi Anemia. Identifiers: Orphanet 84, MedGen C3469527, MONDO:0013565, OMIM 614082.

Allele frequency attached by ClinVar (database versions not stated): gnomAD exomes 0.00001 and 0.00002; ExAC 0.00003.

Submissions (4):

Fulgent Genetics
Classification: Uncertain significance for Fanconi anemia complementation group G. Last evaluated: 2024-04-24. Review status: criteria provided, single submitter. Criteria: ACMG Guidelines, 2015. Collection method: clinical testing. Allele origin: germline.

Labcorp Genetics (formerly Invitae), Labcorp
Classification: Uncertain significance for Fanconi anemia. Last evaluated: 2022-07-14. Review status: criteria provided, single submitter. Criteria: Invitae Variant Classification Sherloc (09022015). Collection method: clinical testing. Allele origin: germline.
Comment: This sequence change replaces serine, which is neutral and polar, with asparagine, which is neutral and polar, at codon 315 of the FANCG protein (p.Ser315Asn). This variant is present in population databases (rs745833004, gnomAD 0.02%). This variant has not been reported in the literature in individuals affected with FANCG-related conditions. ClinVar contains an entry for this variant (Variation ID: 912778). Algorithms developed to predict the effect of missense changes on protein structure and function output the following: SIFT: "Tolerated"; PolyPhen-2: "Benign"; Align-GVGD: "Class C0". The asparagine amino acid residue is found in multiple mammalian species, which suggests that this missense change does not adversely affect protein function. In summary, the available evidence is currently insufficient to determine the role of this variant in disease. Therefore, it has been classified as a Variant of Uncertain Significance.

Genetic Services Laboratory, University of Chicago
Classification: Uncertain significance. Last evaluated: 2019-04-15. Review status: criteria provided, single submitter. Criteria: ACMG Guidelines, 2015. Collection method: clinical testing. Allele origin: germline. Affected: no.

Illumina Laboratory Services, Illumina
Classification: Uncertain significance for Fanconi anemia complementation group G. Last evaluated: 2018-01-13. Review status: criteria provided, single submitter. Criteria: ICSL Variant Classification Criteria 13 December 2019. Collection method: clinical testing. Allele origin: germline.

NM_004629.2(FANCG):c.944G>A (p.Ser315Asn)

Gene: FANCG (FA complementation group G; minus strand). Cytogenetic location: 9p13.3.
Variant type: single nucleotide variant.
Coding change: c.944G>A on transcript NM_004629.2 (MANE Select); coding-DNA position 944, G replaced by A.
Protein change: p.Ser315Asn; replaces serine 315 with asparagine.
Molecular consequence: missense variant.
Genome position (GRCh38, 1-based): chr9:35,076,564, C>T on the plus strand (G>A on the coding strand, the complement: FANCG is on the minus strand). VCF-style: chr9-35076564-C-T. GRCh37 (hg19) VCF-style: chr9-35076561-C-T.
Other names: short protein forms S315N.
Identifiers: ClinVar variation 912778 (VCV000912778.9), dbSNP rs745833004, ClinGen allele CA5039883.